The following is an entry in ClinVar:

NM_130384.3(ATRIP):c.697A>G (p.Ile233Val)

Genes: ATRIP (ATR interacting protein; plus strand), ATRIP-TREX1 (ATRIP-TREX1 readthrough; plus strand). Cytogenetic location: 3p21.31.
Variant type: single nucleotide variant.
Coding change: c.697A>G on transcript NM_130384.3 (MANE Select); coding-DNA position 697, A replaced by G.
Protein change: p.Ile233Val; replaces isoleucine 233 with valine.
Molecular consequence: missense variant. On other transcripts: non-coding transcript variant (1).
Genome position (GRCh38, 1-based): chr3:48,457,284, A>G. VCF-style: chr3-48457284-A-G. GRCh37 (hg19) VCF-style: chr3-48498684-A-G.
Other names: c.316A>G, p.Ile106Val (NM_001271022.2); c.418A>G, p.Ile140Val (NM_001271023.2); c.697A>G, p.Ile233Val (NM_032166.4); short protein forms I106V, I233V, I140V.
Identifiers: ClinVar variation 3810520 (VCV003810520.1).

ClinVar aggregate classification (germline): Uncertain significance (1 of 4 stars; one submission).

Submission:

Ambry Genetics
Classification: Uncertain significance. Last evaluated: 2025-02-06. Review status: criteria provided, single submitter. Criteria: Ambry Variant Classification Scheme 2023. Collection method: clinical testing. Allele origin: germline.
Comment: The p.I233V variant (also known as c.697A>G), located in coding exon 5 of the ATRIP gene, results from an A to G substitution at nucleotide position 697. The isoleucine at codon 233 is replaced by valine, an amino acid with highly similar properties. This amino acid position is conserved. In addition, this alteration is predicted to be tolerated by in silico analysis. Based on the available evidence, the clinical significance of this variant remains unclear.